The following is an entry in ClinVar:

NM_001042492.3(NF1):c.356del (p.His119fs)

Gene: NF1 (neurofibromin 1; plus strand). Cytogenetic location: 17q11.2.
Variant type: Deletion.
Coding change: c.356del on transcript NM_001042492.3 (MANE Select); coding-DNA position 356, one base deleted (A; older notation c.356delA).
Protein change: p.His119fs; shifts the reading frame from histidine 119.
Molecular consequence: frameshift variant.
Genome position (GRCh38, 1-based): chr17:31,163,253, A deleted. VCF-style (leftmost placement, unchanged base first): chr17-31163252-CA-C. GRCh37 (hg19) VCF-style: chr17-29490270-CA-C.
Other names: c.356del, p.His119fs (NM_000267.4, NM_001128147.3); short protein forms H119fs.
Identifiers: ClinVar variation 4721819 (VCV004721819.1).

ClinVar aggregate classification (germline): Pathogenic (1 of 4 stars; one submission).

Conditions:
Neurofibromatosis, type 1 (NF1). Also called: NEUROFIBROMATOSIS, TYPE I, SOMATIC; VON RECKLINGHAUSEN DISEASE; Peripheral type neurofibromatosis; Neurofibromatosis, type I. Identifiers: Orphanet 636, MedGen C0027831, MONDO:0018975, OMIM 162200. Disease mechanism: loss of function.

Submission:

Labcorp Genetics (formerly Invitae), Labcorp
Classification: Pathogenic for Neurofibromatosis, type 1. Last evaluated: 2025-08-02. Review status: criteria provided, single submitter. Criteria: Invitae Variant Classification Sherloc (09022015). Collection method: clinical testing. Allele origin: germline.
Comment: This sequence change creates a premature translational stop signal (p.His119Leufs*46) in the NF1 gene. It is expected to result in an absent or disrupted protein product. Loss-of-function variants in NF1 are known to be pathogenic (PMID: 10712197, 23913538). This variant is not present in population databases (gnomAD no frequency). This variant has not been reported in the literature in individuals affected with NF1-related conditions. For these reasons, this variant has been classified as Pathogenic.

Literature cited by the submitters: PubMed 10712197; PubMed 23913538.